The following is an entry in ClinVar:

ClinVar aggregate classification (germline): Uncertain significance (1 of 4 stars; one submission).

Conditions:
Inborn genetic diseases. Identifiers: MedGen C0950123, MeSH D030342.

gnomAD v4.1: 2 of 1,613,762 alleles (0.00012%); highest among the groups gnomAD compares: Non-Finnish European, 0.00017%; no homozygotes.

Submission:

Ambry Genetics
Classification: Uncertain significance for Inborn genetic diseases. Last evaluated: 2025-05-25. Review status: criteria provided, single submitter. Criteria: Ambry Variant Classification Scheme 2023. Collection method: clinical testing. Allele origin: germline.
Comment: The p.A1016E variant (also known as c.3047C>A), located in coding exon 14 of the FANCM gene, results from a C to A substitution at nucleotide position 3047. The alanine at codon 1016 is replaced by glutamic acid, an amino acid with dissimilar properties. This amino acid position is conserved. In addition, this alteration is predicted to be tolerated by in silico analysis. Based on the available evidence, the clinical significance of this variant remains unclear.

NM_020937.4(FANCM):c.3047C>A (p.Ala1016Glu)

Gene: FANCM (FA complementation group M; plus strand). Cytogenetic location: 14q21.2.
Variant type: single nucleotide variant.
Coding change: c.3047C>A on transcript NM_020937.4 (MANE Select); coding-DNA position 3047, C replaced by A.
Protein change: p.Ala1016Glu; replaces alanine 1016 with glutamic acid.
Molecular consequence: missense variant.
Genome position (GRCh38, 1-based): chr14:45,175,801, C>A. VCF-style: chr14-45175801-C-A. GRCh37 (hg19) VCF-style: chr14-45645004-C-A.
Other names: c.2969C>A, p.Ala990Glu (NM_001308133.2); short protein forms A1016E, A990E.
Identifiers: ClinVar variation 4022815 (VCV004022815.1).